The following is an entry in ClinVar:

ClinVar aggregate classification (germline): Pathogenic (0 of 4 stars; one submission).

Conditions:
Radioulnar synostosis. Also called: Congenital radioulnar synostosis. Identifiers: Orphanet 3269, MedGen C0158761, MONDO:0017985, HP:0002974.

Submission:

The Laboratory of Genetics and Metabolism, Hunan Children’s Hospital
Classification: Pathogenic for radioulnar synostosis. Last evaluated: 2019-05-14. Review status: no assertion criteria provided. Collection method: case-control. Allele origin: unknown. Affected: yes.
Comment: PVS1, PM2, PP3, PP4

NM_005585.5(SMAD6):c.943G>T (p.Glu315Ter)

Gene: SMAD6 (SMAD family member 6; plus strand). Cytogenetic location: 15q22.31.
Variant type: single nucleotide variant.
Coding change: c.943G>T on transcript NM_005585.5 (MANE Select); coding-DNA position 943, G replaced by T.
Protein change: p.Glu315Ter; replaces glutamic acid 315 with a stop codon.
Molecular consequence: nonsense. On other transcripts: non-coding transcript variant (1).
Genome position (GRCh38, 1-based): chr15:66,716,489, G>T. VCF-style: chr15-66716489-G-T. GRCh37 (hg19) VCF-style: chr15-67008827-G-T.
Other names: short protein forms E315*.
Identifiers: ClinVar variation 690420 (VCV000690420.2), dbSNP rs1595766210, ClinGen allele CA392951964.